The following is an entry in ClinVar:

NM_002439.5(MSH3):c.2435+2T>A

Gene: MSH3 (mutS homolog 3; plus strand). Cytogenetic location: 5q14.1.
Variant type: single nucleotide variant.
Coding change: c.2435+2T>A on transcript NM_002439.5 (MANE Select); the canonical splice donor site of the intron after coding-DNA position 2435, T replaced by A.
Molecular consequence: splice donor variant.
Genome position (GRCh38, 1-based): chr5:80,778,838, T>A. VCF-style: chr5-80778838-T-A. GRCh37 (hg19) VCF-style: chr5-80074657-T-A.
Identifiers: ClinVar variation 3913633 (VCV003913633.1).

ClinVar aggregate classification (germline): Uncertain significance (1 of 4 stars; one submission).

Conditions:
Hereditary cancer-predisposing syndrome. Also called: Hereditary Cancer Syndrome; Hereditary neoplastic syndrome; Neoplastic Syndromes, Hereditary; Tumor predisposition. Identifiers: Orphanet 140162, MedGen C0027672, MeSH D009386, MONDO:0015356.

Submission:

Ambry Genetics
Classification: Uncertain significance for Hereditary cancer-predisposing syndrome. Last evaluated: 2025-05-18. Review status: criteria provided, single submitter. Criteria: Ambry Variant Classification Scheme 2023. Collection method: clinical testing. Allele origin: germline.
Comment: The c.2435+2T>A intronic variant results from a T to A substitution two nucleotides after coding exon 17 in the MSH3 gene. Alterations that disrupt the canonical splice site are expected to result in aberrant splicing. This nucleotide position is highly conserved in available vertebrate species.. A resulting transcript is predicted to be in-frame and is not expected to trigger nonsense-mediated mRNAdecay; although, direct evidence is unavailable. In silico splice site analysis predicts that this alteration will weaken the native splice donor site. Based on the available evidence, the clinical significance of this variant remains unclear.